The following is an entry in ClinVar:

NM_025081.3(NYNRIN):c.5447G>A (p.Arg1816His)

Gene: NYNRIN (NYN domain and retroviral integrase containing; plus strand). Cytogenetic location: 14q12.
Variant type: single nucleotide variant.
Coding change: c.5447G>A on transcript NM_025081.3 (MANE Select); coding-DNA position 5447, G replaced by A.
Protein change: p.Arg1816His; replaces arginine 1816 with histidine.
Molecular consequence: missense variant.
Genome position (GRCh38, 1-based): chr14:24,417,196, G>A. VCF-style: chr14-24417196-G-A. GRCh37 (hg19) VCF-style: chr14-24886402-G-A.
Other names: short protein forms R1816H.
Identifiers: ClinVar variation 5038392 (VCV005038392.1).
Genomic context (GRCh38, chr14:24,417,196, plus strand): 5'-AGCTGCTGGAGCTCCACTGGAGGGTGGCTGACAAGGCGAGTGAAAAGGCCGAGAACAGGC[G>A]TTTCAAGCGGGAGAGCCAGGAGAAGGAGTGGAATGTGGGTGACCAGGTCCTTTTGCTGTC-3'
Protein context (NP_079357.2, residues 1806-1826): DKASEKAENR[Arg1816His]FKRESQEKEW

ClinVar aggregate classification (germline): Uncertain significance (1 of 4 stars; one submission).

Conditions:
Predisposition to Wilms tumor.

Submission:

St. Jude Molecular Pathology, St. Jude Children's Research Hospital
Classification: Uncertain significance for Predisposition to Wilms tumor. Last evaluated: 2026-10-01. Review status: criteria provided, single submitter. Criteria: St. Jude Assertion Criteria 2020. Collection method: clinical testing. Allele origin: germline.
Comment: The NYNRIN c.5447G>A p.(Arg1816 His) missense change has a maximum subpopulation frequency of 0.003% in gnomAD v2.1.1. The in silico tool REVEL predicts a benign effect on protein function, but to our knowledge this prediction has not been confirmed by functional studies. To our knowledge, this variant has not been reported in individuals with Wilms tumor. In summary, the evidence currently available is insufficient to determine the clinical significance of this variant. It has therefore been classi fied as of uncertain significance.